The following is an entry in ClinVar:

NM_015512.5(DNAH1):c.7748T>A (p.Leu2583His)

Gene: DNAH1 (dynein axonemal heavy chain 1; plus strand). Cytogenetic location: 3p21.1.
Variant type: single nucleotide variant.
Coding change: c.7748T>A on transcript NM_015512.5 (MANE Select); coding-DNA position 7748, T replaced by A.
Protein change: p.Leu2583His; replaces leucine 2583 with histidine.
Molecular consequence: missense variant.
Genome position (GRCh38, 1-based): chr3:52,381,779, T>A. VCF-style: chr3-52381779-T-A. GRCh37 (hg19) VCF-style: chr3-52415795-T-A.
Other names: short protein forms L2583H.
Identifiers: ClinVar variation 2058564 (VCV002058564.4), dbSNP rs1383067040, ClinGen allele CA353180397.

ClinVar aggregate classification (germline): Uncertain significance (1 of 4 stars; one submission).

Conditions:
Spermatogenic failure 18. Identifiers: MedGen C4539783, MONDO:0054615, OMIM 617576.
Ciliary dyskinesia, primary, 37 (CILD37). Also called: CILIARY DYSKINESIA, PRIMARY, 37, WITH OR WITHOUT SITUS INVERSUS. Identifiers: MedGen C4539798, MONDO:0033204, OMIM 617577.

Allele frequency attached by ClinVar (database versions not stated): gnomAD exomes below 0.00001.
gnomAD v4.1: 2 of 1,606,244 alleles (0.00012%); highest among the groups gnomAD compares: Non-Finnish European, 0.000085%; no homozygotes.

Submission:

Labcorp Genetics (formerly Invitae), Labcorp
Classification: Uncertain significance for Ciliary dyskinesia, primary, 37; Spermatogenic failure 18. Last evaluated: 2022-05-05. Review status: criteria provided, single submitter. Criteria: Invitae Variant Classification Sherloc (09022015). Collection method: clinical testing. Allele origin: germline.
Comment: In summary, the available evidence is currently insufficient to determine the role of this variant in disease. Therefore, it has been classified as a Variant of Uncertain Significance. This variant has not been reported in the literature in individuals affected with DNAH1-related conditions. This sequence change replaces leucine, which is neutral and non-polar, with histidine, which is basic and polar, at codon 2583 of the DNAH1 protein (p.Leu2583His). This variant is not present in population databases (gnomAD no frequency). Algorithms developed to predict the effect of missense changes on protein structure and function are either unavailable or do not agree on the potential impact of this missense change (SIFT: "Deleterious"; PolyPhen-2: "Probably Damaging"; Align-GVGD: "Class C0").